The following is an entry in ClinVar:

ClinVar aggregate classification (germline): Uncertain significance. Review status: criteria provided, multiple submitters, no conflicts (2 of 4 stars). 2 submissions from 2 submitters: Uncertain significance (2). Last evaluated 2024-07-24.

Conditions:
Severe early-onset pulmonary alveolar proteinosis due to MARS deficiency. Also called: PULMONARY ALVEOLAR PROTEINOSIS, REUNION ISLAND; Interstitial lung and liver disease. Identifiers: Orphanet 440427, MedGen C4225400, MONDO:0014206, OMIM 615486.
Charcot-Marie-Tooth disease axonal type 2U. Also called: CHARCOT-MARIE-TOOTH NEUROPATHY, TYPE 2U; CHARCOT-MARIE-TOOTH DISEASE, AXONAL, AUTOSOMAL DOMINANT, TYPE 2U. Identifiers: Orphanet 397735, MedGen C4084821, MONDO:0014566, OMIM 616280.

Allele frequency attached by ClinVar (database versions not stated): ExAC 0.00001; TOPMed 0.00001.
gnomAD v4.1: 3 of 1,614,166 alleles (0.00019%); highest among the groups gnomAD compares: Non-Finnish European, 0.00025%; no homozygotes.

Submissions (2):

Labcorp Genetics (formerly Invitae), Labcorp
Classification: Uncertain significance for Charcot-Marie-Tooth disease axonal type 2U; Severe early-onset pulmonary alveolar proteinosis due to MARS deficiency. Last evaluated: 2024-07-24. Review status: criteria provided, single submitter. Criteria: Invitae Variant Classification Sherloc (09022015). Collection method: clinical testing. Allele origin: germline.
Comment: This sequence change replaces tyrosine, which is neutral and polar, with cysteine, which is neutral and slightly polar, at codon 410 of the MARS protein (p.Tyr410Cys). This variant is present in population databases (rs202065367, gnomAD 0.002%). This variant has not been reported in the literature in individuals affected with MARS-related conditions. ClinVar contains an entry for this variant (Variation ID: 1934096). An algorithm developed to predict the effect of missense changes on protein structure and function (PolyPhen-2) suggests that this variant is likely to be disruptive. In summary, the available evidence is currently insufficient to determine the role of this variant in disease. Therefore, it has been classified as a Variant of Uncertain Significance.

Mayo Clinic Laboratories, Mayo Clinic
Classification: Uncertain significance. Last evaluated: 2022-03-17. Review status: criteria provided, single submitter. Criteria: ACMG Guidelines, 2015. Collection method: clinical testing. Allele origin: germline. Observed: 1 variant allele.

NM_004990.4(MARS1):c.1229A>G (p.Tyr410Cys)

Gene: MARS1 (methionyl-tRNA synthetase 1; plus strand). Cytogenetic location: 12q13.3.
Variant type: single nucleotide variant.
Coding change: c.1229A>G on transcript NM_004990.4 (MANE Select); coding-DNA position 1229, A replaced by G.
Protein change: p.Tyr410Cys; replaces tyrosine 410 with cysteine.
Molecular consequence: missense variant.
Genome position (GRCh38, 1-based): chr12:57,500,458, A>G. VCF-style: chr12-57500458-A-G. GRCh37 (hg19) VCF-style: chr12-57894241-A-G.
Other names: p.Tyr410Cys; c.1229A>G (NM_004990.3); short protein forms Y410C.
Identifiers: ClinVar variation 1934096 (VCV001934096.6), dbSNP rs202065367, ClinGen allele CA6650446.